The following is an entry in ClinVar:

ClinVar aggregate classification (germline): Pathogenic (1 of 4 stars; one submission).

Conditions:
Retinoblastoma (RB1). Also called: RETINOBLASTOMA, SOMATIC. Identifiers: Orphanet 790, MedGen C0035335, MeSH D012175, MONDO:0008380, OMIM 180200, HP:0009919. Disease mechanism: loss of function. Inheritance: Both sporadic and heritable forms are tested..

Submission:

Labcorp Genetics (formerly Invitae), Labcorp
Classification: Pathogenic for Retinoblastoma. Last evaluated: 2023-05-07. Review status: criteria provided, single submitter. Criteria: Invitae Variant Classification Sherloc (09022015). Collection method: clinical testing. Allele origin: germline.
Comment: This sequence change creates a premature translational stop signal (p.Gln631Serfs*21) in the RB1 gene. It is expected to result in an absent or disrupted protein product. Loss-of-function variants in RB1 are known to be pathogenic (PMID: 17096365). For these reasons, this variant has been classified as Pathogenic. This variant has not been reported in the literature in individuals affected with RB1-related conditions. This variant is not present in population databases (gnomAD no frequency).

Literature cited by the submitters: PubMed 17096365.

NM_000321.3(RB1):c.1891_1892del (p.Gln631fs)

Gene: RB1 (RB transcriptional corepressor 1; plus strand). Cytogenetic location: 13q14.2.
Variant type: Microsatellite.
Coding change: c.1891_1892del on transcript NM_000321.3 (MANE Select); coding-DNA positions 1891 to 1892, 2 bases deleted (CA; older notation c.1891_1892delCA).
Protein change: p.Gln631fs; shifts the reading frame from glutamine 631.
Molecular consequence: frameshift variant.
Genome position (GRCh38, 1-based): chr13:48,456,280-48,456,281, CA deleted; deleting any 2 consecutive bases within chr13:48,456,277-48,456,281 gives the same sequence; the c. name uses the placement nearest the transcript's 3' end. VCF-style (leftmost placement, unchanged base first): chr13-48456276-GAC-G. GRCh37 (hg19) VCF-style: chr13-49030412-GAC-G.
Other names: c.1891_1892del, p.Gln631fs (NM_001407165.1); short protein forms Q631fs.
Identifiers: ClinVar variation 2862426 (VCV002862426.3), dbSNP rs2542364147, ClinGen allele CA2739277613.